The following is an entry in ClinVar:

ClinVar aggregate classification (germline): Uncertain significance (1 of 4 stars; one submission).

Allele frequency attached by ClinVar (database versions not stated): gnomAD exomes below 0.00001 and 0.00002; TOPMed below 0.00001; ExAC 0.00005; ESP Exome Variant Server 0.00008.
gnomAD v4.1: 2 of 1,560,436 alleles (0.00013%); highest among the groups gnomAD compares: Admixed American, 0.0019%; no homozygotes.

Submission:

Labcorp Genetics (formerly Invitae), Labcorp
Classification: Uncertain significance. Last evaluated: 2021-08-06. Review status: criteria provided, single submitter. Criteria: Invitae Variant Classification Sherloc (09022015). Collection method: clinical testing. Allele origin: germline.
Comment: This sequence change replaces alanine with valine at codon 11 of the COQ6 protein (p.Ala11Val). The alanine residue is weakly conserved and there is a small physicochemical difference between alanine and valine. This variant is present in population databases (rs369679258, ExAC 0.01%). This variant has not been reported in the literature in individuals affected with COQ6-related conditions. Algorithms developed to predict the effect of missense changes on protein structure and function output the following: SIFT: "Tolerated"; PolyPhen-2: "Benign"; Align-GVGD: "Class C0". The valine amino acid residue is found in multiple mammalian species, which suggests that this missense change does not adversely affect protein function. In summary, the available evidence is currently insufficient to determine the role of this variant in disease. Therefore, it has been classified as a Variant of Uncertain Significance.

NM_182476.3(COQ6):c.32C>T (p.Ala11Val)

Gene: COQ6 (coenzyme Q6, monooxygenase; plus strand). Cytogenetic location: 14q24.3.
Variant type: single nucleotide variant.
Coding change: c.32C>T on transcript NM_182476.3 (MANE Select); coding-DNA position 32, C replaced by T.
Protein change: p.Ala11Val; replaces alanine 11 with valine.
Molecular consequence: missense variant. On other transcripts: intron variant (1).
Genome position (GRCh38, 1-based): chr14:73,950,364, C>T. VCF-style: chr14-73950364-C-T. GRCh37 (hg19) VCF-style: chr14-74417067-C-T.
Other names: c.88+184C>T (NM_182480.3); short protein forms A11V.
Identifiers: ClinVar variation 1462122 (VCV001462122.6), dbSNP rs369679258, ClinGen allele CA7264045.
Genomic context (GRCh38, chr14:73,950,364, plus strand): 5'-TTCTGAGTGCGACGGCGCAGGTCTGCACCATGGCGGCCCGGCTTGTCAGCCGATGCGGGG[C>T]TGTGCGTGCAGCTCCCCACAGCGGCCCGCTGGTGTCCTGGCGCAGGTGGTCCGGCGCCTC-3'
Protein context (NP_872282.1, residues 1-21): MAARLVSRCG[Ala11Val]VRAAPHSGPL